The following is an entry in ClinVar:

NM_014249.4(NR2E3):c.245+9G>A

Gene: NR2E3 (nuclear receptor subfamily 2 group E member 3; plus strand). Cytogenetic location: 15q23.
Variant type: single nucleotide variant.
Coding change: c.245+9G>A on transcript NM_014249.4 (MANE Select); 9 bases into the intron after coding-DNA position 245, G replaced by A.
Molecular consequence: intron variant.
Genome position (GRCh38, 1-based): chr15:71,811,618, G>A. VCF-style: chr15-71811618-G-A. GRCh37 (hg19) VCF-style: chr15-72103958-G-A.
Other names: c.245+9G>A (NM_016346.4).
Identifiers: ClinVar variation 317006 (VCV000317006.19), dbSNP rs538864090, ClinGen allele CA7640252.

ClinVar aggregate classification (germline): Conflicting classifications of pathogenicity. Review status: criteria provided, conflicting classifications (1 of 4 stars). 6 submissions from 5 submitters: Uncertain significance (2); Likely benign (3). 1 of the submissions does not count toward it. Last evaluated 2025-10-28.

Conditions:
NR2E3-related disorder. Also called: NR2E3-related disorders; NR2E3-related condition. Identifiers: MedGen CN239387.
Retinitis pigmentosa (RP). Identifiers: Orphanet 791, MedGen C0035334, MeSH D012174, MONDO:0019200, OMIM 268000. Inheritance: Autosomal dominant, autosomal recessive and X linked inheritance.
Goldmann-Favre syndrome. Identifiers: Orphanet 53540, MedGen C0339541, MONDO:0100289.
Enhanced S-cone syndrome (ESCS). Identifiers: Orphanet 53540, MedGen C1849394, MONDO:0100288, MONDO:0009989.

Allele frequency attached by ClinVar (database versions not stated): gnomAD 0.00003; TOPMed 0.00006; ExAC 0.00011.
gnomAD v4.1: 94 of 1,602,090 alleles (0.0059%); highest among the groups gnomAD compares: East Asian, 0.038%; no homozygotes.

Submissions (6):

PreventionGenetics, part of Exact Sciences
Classification: Likely benign for NR2E3-related condition. Last evaluated: 2025-10-28. Review status: criteria provided, single submitter. Criteria: ACMG Guidelines, 2015. Collection method: clinical testing. Allele origin: germline.
Comment: This variant is classified as likely benign based on ACMG/AMP sequence variant interpretation guidelines (Richards et al. 2015 PMID: 25741868, with internal and published modifications).

Labcorp Genetics (formerly Invitae), Labcorp
Classification: Likely benign. Last evaluated: 2025-09-10. Review status: criteria provided, single submitter. Criteria: Invitae Variant Classification Sherloc (09022015). Collection method: clinical testing. Allele origin: germline.

Blueprint Genetics
Classification: Likely benign. Last evaluated: 2024-06-06. Review status: criteria provided, single submitter. Criteria: ACMG Guidelines, 2015. Collection method: clinical testing. Allele origin: germline.

Illumina Laboratory Services, Illumina
Classification: Uncertain significance for ENHANCED S-CONE SYNDROME 1. Last evaluated: 2018-01-12. Review status: criteria provided, single submitter. Criteria: ICSL Variant Classification Criteria 13 December 2019. Collection method: clinical testing. Allele origin: germline.

Illumina Laboratory Services, Illumina
Classification: Uncertain significance for Retinitis pigmentosa. Last evaluated: 2018-01-12. Review status: criteria provided, single submitter. Criteria: ICSL Variant Classification Criteria 13 December 2019. Collection method: clinical testing. Allele origin: germline.

Natera, Inc.
Classification: Likely benign for Goldmann-Favre syndrome. Last evaluated: 2020-09-16. Review status: no assertion criteria provided. Collection method: clinical testing. Allele origin: germline. Not counted in ClinVar's aggregate classification.